The following is an entry in ClinVar:

NM_032816.5(CEP89):c.1372C>T (p.Arg458Cys)

Gene: CEP89 (centrosomal protein 89; minus strand). Cytogenetic location: 19q13.11.
Variant type: single nucleotide variant.
Coding change: c.1372C>T on transcript NM_032816.5 (MANE Select); coding-DNA position 1372, C replaced by T.
Protein change: p.Arg458Cys; replaces arginine 458 with cysteine.
Molecular consequence: missense variant.
Genome position (GRCh38, 1-based): chr19:32,918,236, G>A on the plus strand (C>T on the coding strand, the complement: CEP89 is on the minus strand). VCF-style: chr19-32918236-G-A. GRCh37 (hg19) VCF-style: chr19-33409142-G-A.
Other names: c.1372C>T (NM_032816.3); short protein forms R458C.
Identifiers: ClinVar variation 3022233 (VCV003022233.4), dbSNP rs141289026, ClinGen allele CA9359320.

ClinVar aggregate classification (germline): Uncertain significance. Review status: criteria provided, multiple submitters, no conflicts (2 of 4 stars). 2 submissions from 2 submitters: Uncertain significance (2). Last evaluated 2025-02-24.

Allele frequency attached by ClinVar (database versions not stated): ExAC 0.00009; ESP Exome Variant Server 0.00038; 1000 Genomes Project 30x 0.00062; gnomAD 0.00025; TOPMed 0.00029; 1000 Genomes Project 0.00040.
gnomAD v4.1: 77 of 1,613,382 alleles (0.0048%); highest among the groups gnomAD compares: African/African-American, 0.081%; no homozygotes.

Submissions (2):

Labcorp Genetics (formerly Invitae), Labcorp
Classification: Uncertain significance. Last evaluated: 2025-02-24. Review status: criteria provided, single submitter. Criteria: Invitae Variant Classification Sherloc (09022015). Collection method: clinical testing. Allele origin: germline.
Comment: This sequence change replaces arginine, which is basic and polar, with cysteine, which is neutral and slightly polar, at codon 458 of the CEP89 protein (p.Arg458Cys). This variant is present in population databases (rs141289026, gnomAD 0.06%), and has an allele count higher than expected for a pathogenic variant. This variant has not been reported in the literature in individuals affected with CEP89-related conditions. ClinVar contains an entry for this variant (Variation ID: 3022233). An algorithm developed to predict the effect of missense changes on protein structure and function (PolyPhen-2) suggests that this variant is likely to be disruptive. In summary, the available evidence is currently insufficient to determine the role of this variant in disease. Therefore, it has been classified as a Variant of Uncertain Significance.

Ambry Genetics
Classification: Uncertain significance. Last evaluated: 2023-10-27. Review status: criteria provided, single submitter. Criteria: Ambry Variant Classification Scheme 2023. Collection method: clinical testing. Allele origin: germline.